The following is an entry in ClinVar:

NM_006915.3(RP2):c.778A>T (p.Lys260Ter)

Gene: RP2 (RP2 activator of ARL3 GTPase; plus strand). Cytogenetic location: Xp11.3.
Variant type: single nucleotide variant.
Coding change: c.778A>T on transcript NM_006915.3 (MANE Select); coding-DNA position 778, A replaced by T.
Protein change: p.Lys260Ter; replaces lysine 260 with a stop codon.
Molecular consequence: nonsense.
Genome position (GRCh38, 1-based): chrX:46,859,997, A>T. VCF-style: chrX-46859997-A-T. GRCh37 (hg19) VCF-style: chrX-46719432-A-T.
Other names: short protein forms K260*.
Identifiers: ClinVar variation 1451398 (VCV001451398.6), dbSNP rs2147083231, ClinGen allele CA413040710.

ClinVar aggregate classification (germline): Pathogenic (1 of 4 stars; one submission).

Submission:

Labcorp Genetics (formerly Invitae), Labcorp
Classification: Pathogenic. Last evaluated: 2022-08-10. Review status: criteria provided, single submitter. Criteria: Invitae Variant Classification Sherloc (09022015). Collection method: clinical testing. Allele origin: germline.
Comment: For these reasons, this variant has been classified as Pathogenic. ClinVar contains an entry for this variant (Variation ID: 1451398). This variant has not been reported in the literature in individuals affected with RP2-related conditions. This variant is not present in population databases (gnomAD no frequency). This sequence change creates a premature translational stop signal (p.Lys260*) in the RP2 gene. It is expected to result in an absent or disrupted protein product. Loss-of-function variants in RP2 are known to be pathogenic (PMID: 11992260, 20625056).

Literature cited by the submitters: PubMed 11992260; PubMed 20625056.